The following is an entry in ClinVar:

NM_000193.4(SHH):c.475G>A (p.Gly159Ser)

Gene: SHH (sonic hedgehog signaling molecule; minus strand). Cytogenetic location: 7q36.3.
Variant type: single nucleotide variant.
Coding change: c.475G>A on transcript NM_000193.4 (MANE Select); coding-DNA position 475, G replaced by A.
Protein change: p.Gly159Ser; replaces glycine 159 with serine.
Molecular consequence: missense variant. On other transcripts: non-coding transcript variant (2).
Genome position (GRCh38, 1-based): chr7:155,806,383, C>T on the plus strand (G>A on the coding strand, the complement: SHH is on the minus strand). VCF-style: chr7-155806383-C-T. GRCh37 (hg19) VCF-style: chr7-155599077-C-T.
Other names: c.214G>A, p.Gly72Ser (NM_001310462.2); short protein forms G159S, G72S.
Identifiers: ClinVar variation 388289 (VCV000388289.2), dbSNP rs1057523055, ClinGen allele CA16605770.

ClinVar aggregate classification (germline): Uncertain significance (1 of 4 stars; one submission).

Allele frequency attached by ClinVar (database versions not stated): gnomAD exomes below 0.00001; gnomAD 0.00001 and 0.00003.

Submission:

GeneDx
Classification: Uncertain significance. Last evaluated: 2016-08-08. Review status: criteria provided, single submitter. Criteria: GeneDx Variant Classification (06012015). Collection method: clinical testing. Allele origin: germline. Affected: yes.
Comment: The G159S variant was not observed in approximately 6500individuals of European and African American ancestry in the NHLBI Exome Sequencing Project,indicating it is not a common benign variant in these populations. The G159S variant is anon-conservative amino acid substitution, which is likely to impact secondary protein structure asthese residues differ in polarity, charge, size and/or other properties. This substitution occurs at aposition that is conserved across species. In silico analysis predicts this variant is probably damaging tothe protein structure/function. Missense variants in nearby residues (S156R and L161Q) have beenreported in the Human Gene Mutation Database in association with holoprosencephaly (Stenson et al.,2014), supporting the functional importance of this region of the protein. We interpret G159S as avariant of uncertain significance.